The following is an entry in ClinVar:

NM_004369.4(COL6A3):c.7596G>A (p.Lys2532=)

Gene: COL6A3 (collagen type VI alpha 3 chain; minus strand). Cytogenetic location: 2q37.3.
Variant type: single nucleotide variant.
Coding change: c.7596G>A on transcript NM_004369.4 (MANE Select); coding-DNA position 7596, G replaced by A.
Protein change: p.Lys2532=; no amino-acid change (lysine 2532 retained).
Molecular consequence: synonymous variant.
Genome position (GRCh38, 1-based): chr2:237,344,422, C>T on the plus strand (G>A on the coding strand, the complement: COL6A3 is on the minus strand). VCF-style: chr2-237344422-C-T. GRCh37 (hg19) VCF-style: chr2-238253065-C-T.
Other names: p.Lys2532=; c.5775G>A, p.Lys1925= (NM_057166.5); c.6978G>A, p.Lys2326= (NM_057167.4).
Identifiers: ClinVar variation 94990 (VCV000094990.30), dbSNP rs2291795, ClinGen allele CA148036.
Genomic context (GRCh38, chr2:237,344,422, plus strand): 5'-GATGAGCTGCCGGTCTTCCTGCCTTGTAAGGAACAAGGGGGTGATCCCCGCATCTGAGAG[C>T]TTGAGCACAGCCTCTCTGAGCTGTGGGGATGCTCTTGTGGGTGTGTTGCTGAAGAAAACA-3'
Protein context (NP_004360.2, residues 2522-2542): ASPQLREAVL[Lys2532=]LSDAGITPLF

ClinVar aggregate classification (germline): Benign. Review status: criteria provided, multiple submitters, no conflicts (2 of 4 stars). 12 submissions from 12 submitters: Benign (10). 2 of the submissions do not count toward it. Last evaluated 2026-02-04.

Conditions:
Collagen 6-related myopathy. Identifiers: MedGen CN117976, MONDO:0100225.
Bethlem myopathy 1A. Also called: Bethlem myopathy 1; Bethlem Muscular Dystrophy; MYOPATHY, BENIGN CONGENITAL, WITH CONTRACTURES. Identifiers: Orphanet 610, MedGen CN029274, MONDO:0024530, OMIM 158810.

Allele frequency attached by ClinVar (database versions not stated): gnomAD exomes 0.12805 and 0.12022; 1000 Genomes Project 0.15475; ExAC 0.12916; gnomAD 0.12954 and 0.13121; ESP Exome Variant Server 0.13109; TOPMed 0.13652; 1000 Genomes Project 30x 0.15287.
gnomAD v4.1: 196,732 of 1,614,090 alleles (12%); highest among the groups gnomAD compares: South Asian, 18%; 12,659 homozygotes.

Submissions (12):

Labcorp Genetics (formerly Invitae), Labcorp
Classification: Benign for Bethlem myopathy 1A. Last evaluated: 2026-02-04. Review status: criteria provided, single submitter. Criteria: Invitae Variant Classification Sherloc (09022015). Collection method: clinical testing. Allele origin: germline.

Unidad de Genómica Garrahan, Hospital de Pediatría Garrahan
Classification: Benign. Last evaluated: 2024-07-31. Review status: criteria provided, single submitter. Criteria: ACMG Guidelines, 2015. Collection method: clinical testing. Allele origin: germline. Affected: no. Observed: 32 variant alleles.
Comment: This variant is classified as Benign based on local population frequency. This variant was detected in 34% of patients studied in a panel designed for Epileptic and Developmental Encephalopathy, Progressive Myoclonus Epilepsy and Abnormal Movements and Neurodegeneration with brain iron accumulation. Number of patients: 32. Only high quality variants are reported.

Athena Diagnostics
Classification: Benign. Last evaluated: 2021-06-25. Review status: criteria provided, single submitter. Criteria: Athena Diagnostics Criteria. Collection method: clinical testing. Allele origin: unknown.

Illumina Laboratory Services, Illumina
Classification: Benign for Collagen VI-related myopathy. Last evaluated: 2018-01-12. Review status: criteria provided, single submitter. Criteria: ICSL Variant Classification Criteria 13 December 2019. Collection method: clinical testing. Allele origin: germline.
Comment: This variant was observed in the ICSL laboratory as part of a predisposition screen in an ostensibly healthy population. It had not been previously curated by ICSL or reported in the Human Gene Mutation Database (HGMD: prior to June 1st, 2018), and was therefore a candidate for classification through an automated scoring system. Utilizing variant allele frequency, disease prevalence and penetrance estimates, and inheritance mode, an automated score was calculated to assess if this variant is too frequent to cause the disease. Based on the score and internal cut-off values, a variant classified as benign is not then subjected to further curation. The score for this variant resulted in a classification of benign for this disease.

Mayo Clinic Laboratories, Mayo Clinic
Classification: Benign. Last evaluated: 2017-07-12. Review status: criteria provided, single submitter. Criteria: ACMG Guidelines, 2015. Collection method: clinical testing. Allele origin: germline. Observed: 180 variant alleles.

GeneDx
Classification: Benign. Last evaluated: 2016-01-25. Review status: criteria provided, single submitter. Criteria: GeneDx Variant Classification (06012015). Collection method: clinical testing. Allele origin: germline. Affected: yes.
Comment: This variant is considered likely benign or benign based on one or more of the following criteria: it is a conservative change, it occurs at a poorly conserved position in the protein, it is predicted to be benign by multiple in silico algorithms, and/or has population frequency not consistent with disease.

Genetic Services Laboratory, University of Chicago
Classification: Benign for AllHighlyPenetrant. Last evaluated: 2013-08-15. Review status: criteria provided, single submitter. Criteria: ACMG Guidelines, 2007. Collection method: clinical testing. Allele origin: germline.

Eurofins Ntd Llc (ga)
Classification: Benign. Last evaluated: 2012-08-07. Review status: criteria provided, single submitter. Criteria: EGL Classification Definitions 2015. Collection method: clinical testing. Allele origin: germline. Observed: 29 variant alleles, 24 heterozygotes, 5 homozygotes.

Breakthrough Genomics
Classification: Benign. Review status: criteria provided, single submitter. Criteria: ACMG Guidelines, 2015. Collection method: not provided. Allele origin: germline. Inheritance: Autosomal recessive inheritance. Affected: yes.

PreventionGenetics, part of Exact Sciences
Classification: Benign. Review status: criteria provided, single submitter. Criteria: ACMG Guidelines, 2015. Collection method: clinical testing. Allele origin: germline.

Clinical Genetics, Academic Medical Center
Classification: Benign. Review status: no assertion criteria provided. Collection method: clinical testing. Allele origin: germline. Affected: yes. Study: VKGL Data-share Consensus. Not counted in ClinVar's aggregate classification.

Joint Genome Diagnostic Labs from Nijmegen and Maastricht, Radboudumc and MUMC+
Classification: Benign. Review status: no assertion criteria provided. Collection method: clinical testing. Allele origin: germline. Affected: yes. Study: VKGL Data-share Consensus. Not counted in ClinVar's aggregate classification.